The following is an entry in ClinVar:

ClinVar aggregate classification (germline): Pathogenic/Likely pathogenic. Review status: criteria provided, multiple submitters, no conflicts (2 of 4 stars). 2 submissions from 2 submitters: Pathogenic (1); Likely pathogenic (1). Last evaluated 2023-12-12.

Conditions:
Mucopolysaccharidosis, MPS-III-C (MPS3C). Also called: MPS IIIC (Sanfilippo Syndrome Type C); MUCOPOLYSACCHARIDOSIS, TYPE IIIC; Mucopolysaccharidosis type IIIC (Sanfilippo C); mucopolysaccharidosis type 3C; SANFILIPPO SYNDROME C; MPS III C. Identifiers: Orphanet 581, Orphanet 79271, MedGen C0086649, MONDO:0009657, OMIM 252930.
Retinitis pigmentosa 73 (RP73). Identifiers: Orphanet 791, MedGen C4225287, MONDO:0014687, OMIM 616544.

Allele frequency attached by ClinVar (database versions not stated): gnomAD exomes below 0.00001.
gnomAD v4.1: 2 of 1,613,946 alleles (0.00012%); highest among the groups gnomAD compares: Non-Finnish European, 0.00017%; no homozygotes.

Submissions (2):

Labcorp Genetics (formerly Invitae), Labcorp
Classification: Pathogenic for Retinitis pigmentosa 73; Mucopolysaccharidosis, MPS-III-C. Last evaluated: 2023-12-12. Review status: criteria provided, single submitter. Criteria: Invitae Variant Classification Sherloc (09022015). Collection method: clinical testing. Allele origin: germline.
Comment: This sequence change creates a premature translational stop signal (p.Gln89*) in the HGSNAT gene. It is expected to result in an absent or disrupted protein product. Loss-of-function variants in HGSNAT are known to be pathogenic (PMID: 17033958, 19479962). This variant is not present in population databases (gnomAD no frequency). This variant has not been reported in the literature in individuals affected with HGSNAT-related conditions. ClinVar contains an entry for this variant (Variation ID: 983601). For these reasons, this variant has been classified as Pathogenic.

Myriad Genetics, Inc.
Classification: Likely pathogenic for Mucopolysaccharidosis, MPS-III-C. Last evaluated: 2020-03-07. Review status: criteria provided, single submitter. Criteria: Myriad Women's Health Autosomal Recessive and X-Linked Classification Criteria (2019). Collection method: clinical testing. Allele origin: unknown.
Comment: NM_152419.2(HGSNAT):c.265C>T(Q89*) is expected to be pathogenic in the context of mucopolysaccharidosis type IIIC. This variant is predicted to lead to an abnormal or absent protein product due to the creation of a premature termination codon in HGSNAT, a gene where loss-of-function variants are known to be pathogenic. Please note: this variant was assessed in the context of healthy population screening.

Literature cited by the submitters: PubMed 17033958 (cited by Labcorp Genetics (formerly Invitae), Labcorp); PubMed 19479962 (cited by Labcorp Genetics (formerly Invitae), Labcorp).

NM_152419.3(HGSNAT):c.265C>T (p.Gln89Ter)

Gene: HGSNAT (heparan-alpha-glucosaminide N-acetyltransferase; plus strand). Cytogenetic location: 8p11.21.
Variant type: single nucleotide variant.
Coding change: c.265C>T on transcript NM_152419.3 (MANE Select); coding-DNA position 265, C replaced by T.
Protein change: p.Gln89Ter; replaces glutamine 89 with a stop codon.
Molecular consequence: nonsense. On other transcripts: 5 prime UTR variant (1).
Genome position (GRCh38, 1-based): chr8:43,158,605, C>T. VCF-style: chr8-43158605-C-T. GRCh37 (hg19) VCF-style: chr8-43013748-C-T.
Other names: c.265C>T, p.Gln89Ter (NM_001363227.2, NM_001363228.2); c.-569C>T (NM_001363229.2); short protein forms Q89*.
Identifiers: ClinVar variation 983601 (VCV000983601.6), dbSNP rs1803166332, ClinGen allele CA371125085.